The following is an entry in ClinVar:

NM_021615.5(CHST6):c.631C>T (p.Arg211Trp)

Gene: CHST6 (carbohydrate sulfotransferase 6; minus strand). Cytogenetic location: 16q23.1.
Variant type: single nucleotide variant.
Coding change: c.631C>T on transcript NM_021615.5 (MANE Select); coding-DNA position 631, C replaced by T.
Protein change: p.Arg211Trp; replaces arginine 211 with tryptophan.
Molecular consequence: missense variant.
Genome position (GRCh38, 1-based): chr16:75,479,198, G>A on the plus strand (C>T on the coding strand, the complement: CHST6 is on the minus strand). VCF-style: chr16-75479198-G-A. GRCh37 (hg19) VCF-style: chr16-75513096-G-A.
Other names: short protein forms R211W.
Identifiers: ClinVar variation 2637472 (VCV002637472.1), dbSNP rs202175444, ClinGen allele CA8175443.

ClinVar aggregate classification (germline): Pathogenic (1 of 4 stars; one submission).

Conditions:
Macular corneal dystrophy (MCD). Also called: Macular corneal dystrophy Type I; GROENOUW TYPE II CORNEAL DYSTROPHY. Identifiers: Orphanet 98969, MedGen C1636149, MONDO:0009020, OMIM 217800.

Allele frequency attached by ClinVar (database versions not stated): ExAC 0.00001; gnomAD 0.00001; 1000 Genomes Project 30x 0.00016; 1000 Genomes Project 0.00020.

Submission:

Women's Health and Genetics/Laboratory Corporation of America, LabCorp
Classification: Pathogenic for Macular corneal dystrophy. Last evaluated: 2023-10-25. Review status: criteria provided, single submitter. Criteria: LabCorp Variant Classification Summary - May 2015. Collection method: clinical testing. Allele origin: germline.
Comment: Variant summary: CHST6 c.631C>T (p.Arg211Trp) results in a non-conservative amino acid change located in the sulfotransferase domain (IPR000863) of the encoded protein sequence. Five of five in-silico tools predict a damaging effect of the variant on protein function. The variant allele was found at a frequency of 4.1e-06 in 241210 control chromosomes (gnomAD). c.631C>T has been reported in the literature in multiple individuals affected with Macular Corneal Dystrophy (examples: Iida-Hasegawa_2003 and Li_2021). These data indicate that the variant is very likely to be associated with disease. The following publications have been ascertained in the context of this evaluation (PMID: 33816482, 12882769). No submitters have cited clinical-significance assessments for this variant to ClinVar after 2014. Based on the evidence outlined above, the variant was classified as pathogenic.

Literature cited by the submitters: PubMed 33816482; PubMed 12882769.